The following is an entry in ClinVar:

NM_001278064.2(GRM1):c.1366A>G (p.Lys456Glu)

Gene: GRM1 (glutamate metabotropic receptor 1; plus strand). Cytogenetic location: 6q24.3.
Variant type: single nucleotide variant.
Coding change: c.1366A>G on transcript NM_001278064.2 (MANE Select); coding-DNA position 1366, A replaced by G.
Protein change: p.Lys456Glu; replaces lysine 456 with glutamic acid.
Molecular consequence: missense variant.
Genome position (GRCh38, 1-based): chr6:146,352,429, A>G. VCF-style: chr6-146352429-A-G. GRCh37 (hg19) VCF-style: chr6-146673565-A-G.
Other names: c.1366A>G, p.Lys456Glu (NM_001278065.2, NM_001278066.1, NM_001278067.1); short protein forms K456E.
Identifiers: ClinVar variation 5018722 (VCV005018722.2).

ClinVar aggregate classification (germline): Uncertain significance (1 of 4 stars; one submission).

Conditions:
Autosomal recessive spinocerebellar ataxia 13. Identifiers: Orphanet 324262, MedGen C3553816, MONDO:0013905, OMIM 614831.
Spinocerebellar ataxia 44. Identifiers: Orphanet 631095, MedGen C4521563, MONDO:0033479, OMIM 617691.

Submission:

Juno Genomics, Hangzhou Juno Genomics, Inc
Classification: Uncertain significance for Spinocerebellar ataxia 44; Autosomal recessive spinocerebellar ataxia 13. Review status: criteria provided, single submitter. Criteria: ACMG Guidelines, 2015. Collection method: clinical testing. Allele origin: germline.
Comment: Absent from controls (or at extremely low frequency if recessive) in Genome Aggregation Database.;Missense variant in a gene that has a low rate of benign missense variation.;Multiple lines of computational evidence support a deleterious effect on the gene or gene product.